The following is an entry in ClinVar:

ClinVar aggregate classification (germline): Pathogenic (1 of 4 stars; one submission).

Conditions:
Charcot-Marie-Tooth disease type 4. Also called: Charcot-Marie-Tooth, Type 4; Charcot-Marie-Tooth disease, type IV. Identifiers: Orphanet 64749, MedGen C4082197, MONDO:0018995.

Submission:

Labcorp Genetics (formerly Invitae), Labcorp
Classification: Pathogenic for Charcot-Marie-Tooth disease type 4. Last evaluated: 2022-09-25. Review status: criteria provided, single submitter. Criteria: Invitae Variant Classification Sherloc (09022015). Collection method: clinical testing. Allele origin: germline.
Comment: For these reasons, this variant has been classified as Pathogenic. Algorithms developed to predict the effect of sequence changes on RNA splicing suggest that this variant may disrupt the consensus splice site. This variant has not been reported in the literature in individuals affected with SBF2-related conditions. This variant is not present in population databases (gnomAD no frequency). This sequence change creates a premature translational stop signal (p.Arg1433Lysfs*4) in the SBF2 gene. It is expected to result in an absent or disrupted protein product. Loss-of-function variants in SBF2 are known to be pathogenic (PMID: 12687498, 25873783).

Literature cited by the submitters: PubMed 12687498; PubMed 25873783.

NM_030962.4(SBF2):c.4297dup (p.Arg1433fs)

Genes: SBF2 (SET binding factor 2; minus strand), SBF2-AS1 (SBF2 antisense RNA 1; plus strand). Cytogenetic location: 11p15.4.
Variant type: Duplication.
Coding change: c.4297dup on transcript NM_030962.4 (MANE Select); coding-DNA position 4297, one base duplicated (A; older notation c.4297dupA).
Protein change: p.Arg1433fs; shifts the reading frame from arginine 1433.
Molecular consequence: frameshift variant. On other transcripts: non-coding transcript variant (1).
Genome position (GRCh38, 1-based): chr11:9,808,146, T duplicated on the plus strand (A on the coding strand, the reverse complement: SBF2 is on the minus strand). VCF-style (leftmost placement, unchanged base first): chr11-9808145-C-CT. GRCh37 (hg19) VCF-style: chr11-9829692-C-CT.
Other names: c.4393dup, p.Arg1465fs (NM_001386339.1); c.4168dup, p.Arg1390fs (NM_001386342.1); short protein forms R1433fs, R1465fs, R1390fs.
Identifiers: ClinVar variation 2032532 (VCV002032532.4), dbSNP rs1853957938, ClinGen allele CA2580085031.
Genomic context (GRCh38, chr11:9,808,145, plus strand): 5'-AATTTGTGACCAAAAGAGAGCCACTCTTTTTCAACCAACATCTGGAAGCCTTCAAGTGTC[C>CT]TATAAAAGGGATCACTGAGTAACTGAACCAGGGATGTCACCTAGGGCATAAGCAGGATGG-3'